The following is an entry in ClinVar:

NM_015425.6(POLR1A):c.4324G>A (p.Asp1442Asn)

Gene: POLR1A (RNA polymerase I subunit A; minus strand). Cytogenetic location: 2p11.2.
Variant type: single nucleotide variant.
Coding change: c.4324G>A on transcript NM_015425.6 (MANE Select); coding-DNA position 4324, G replaced by A.
Protein change: p.Asp1442Asn; replaces aspartic acid 1442 with asparagine.
Molecular consequence: missense variant.
Genome position (GRCh38, 1-based): chr2:86,031,584, C>T on the plus strand (G>A on the coding strand, the complement: POLR1A is on the minus strand). VCF-style: chr2-86031584-C-T. GRCh37 (hg19) VCF-style: chr2-86258707-C-T.
Other names: c.4324G>A (NM_015425.3); short protein forms D1442N.
Identifiers: ClinVar variation 2991806 (VCV002991806.4), dbSNP rs765131837, ClinGen allele CA1745514.

ClinVar aggregate classification (germline): Uncertain significance. Review status: criteria provided, multiple submitters, no conflicts (2 of 4 stars). 2 submissions from 2 submitters: Uncertain significance (2). Last evaluated 2025-05-14.

Conditions:
Inborn genetic diseases. Identifiers: MedGen C0950123, MeSH D030342.

Allele frequency attached by ClinVar (database versions not stated): ExAC 0.00001; gnomAD 0.00002; TOPMed 0.00003.
gnomAD v4.1: 26 of 1,613,636 alleles (0.0016%); highest among the groups gnomAD compares: African/African-American, 0.004%; 1 homozygote.

Submissions (2):

Ambry Genetics
Classification: Uncertain significance for Inborn genetic diseases. Last evaluated: 2025-05-14. Review status: criteria provided, single submitter. Criteria: Ambry Variant Classification Scheme 2023. Collection method: clinical testing. Allele origin: germline.

Labcorp Genetics (formerly Invitae), Labcorp
Classification: Uncertain significance. Last evaluated: 2023-10-24. Review status: criteria provided, single submitter. Criteria: Invitae Variant Classification Sherloc (09022015). Collection method: clinical testing. Allele origin: germline.
Comment: This sequence change replaces aspartic acid, which is acidic and polar, with asparagine, which is neutral and polar, at codon 1442 of the POLR1A protein (p.Asp1442Asn). This variant is present in population databases (rs765131837, gnomAD 0.006%). This variant has not been reported in the literature in individuals affected with POLR1A-related conditions. Advanced modeling of protein sequence and biophysical properties (such as structural, functional, and spatial information, amino acid conservation, physicochemical variation, residue mobility, and thermodynamic stability) performed at Invitae indicates that this missense variant is not expected to disrupt POLR1A protein function with a negative predictive value of 80%. In summary, the available evidence is currently insufficient to determine the role of this variant in disease. Therefore, it has been classified as a Variant of Uncertain Significance.